The following is an entry in ClinVar:

NM_033380.3(COL4A5):c.3017-1G>A

Gene: COL4A5 (collagen type IV alpha 5 chain; plus strand). Cytogenetic location: Xq22.3.
Variant type: single nucleotide variant.
Coding change: c.3017-1G>A on transcript NM_033380.3 (MANE Select); the canonical splice acceptor site of the intron before coding-DNA position 3017, G replaced by A.
Molecular consequence: splice acceptor variant.
Genome position (GRCh38, 1-based): chrX:108,625,704, G>A. VCF-style: chrX-108625704-G-A. GRCh37 (hg19) VCF-style: chrX-107868934-G-A.
Other names: c.3017-1G>A (NM_000495.5).
Identifiers: ClinVar variation 1353996 (VCV001353996.6), dbSNP rs104886378, ClinGen allele CA258791.

ClinVar aggregate classification (germline): Pathogenic (1 of 4 stars; one submission).

Submission:

Labcorp Genetics (formerly Invitae), Labcorp
Classification: Pathogenic. Last evaluated: 2021-12-01. Review status: criteria provided, single submitter. Criteria: Invitae Variant Classification Sherloc (09022015). Collection method: clinical testing. Allele origin: germline.
Comment: Disruption of this splice site has been observed in individuals with clinical features of Alport syndrome (PMID: 11223851). This variant is not present in population databases (gnomAD no frequency). This sequence change affects an acceptor splice site in intron 34 of the COL4A5 gene. It is expected to disrupt RNA splicing. Variants that disrupt the donor or acceptor splice site typically lead to a loss of protein function (PMID: 16199547), and loss-of-function variants in COL4A5 are known to be pathogenic (PMID: 9195222, 10752524, 14514738, 24854265, 26809805). This variant is also known as 3219−1G→A. Algorithms developed to predict the effect of sequence changes on RNA splicing suggest that this variant may disrupt the consensus splice site. For these reasons, this variant has been classified as Pathogenic.

Literature cited by the submitters: PubMed 11223851; PubMed 16199547; PubMed 9195222; PubMed 10752524; PubMed 14514738; PubMed 24854265; PubMed 26809805.